The following is an entry in ClinVar:

NC_000011.10:g.47335082_47335083del

Gene: MYBPC3 (myosin binding protein C3; minus strand). Cytogenetic location: 11p11.2.
Variant type: Deletion.
Genome position: GRCh38 VCF-style: chr11-47335081-CAG-C. GRCh37 (hg19) VCF-style: chr11-47356632-CAG-C.
Other names: p.955RfsX95; c.2864_2865delCT (NM_000256.3).
Identifiers: ClinVar variation 42663 (VCV000042663.56), dbSNP rs397515990, ClinGen allele CA013077.

ClinVar aggregate classification (germline): Pathogenic/Likely pathogenic. Review status: criteria provided, multiple submitters, no conflicts (2 of 4 stars). 30 submissions from 30 submitters: Pathogenic (22); Likely pathogenic (1). 7 of the submissions do not count toward it. Last evaluated 2026-02-10.

Conditions:
MYBPC3-related disorder. Also called: MYBPC3-related disorders; MYBPC3-related condition; MYBPC3-related disease.
Cardiovascular phenotype. Identifiers: MedGen CN230736.
Hypertrophic cardiomyopathy 4. Also called: Familial hypertrophic cardiomyopathy 4. Identifiers: MedGen C1861862, MONDO:0007268, OMIM 115197.
Left ventricular noncompaction 10 (LVNC10). Identifiers: Orphanet 154, Orphanet 54260, MedGen C3715165, MONDO:0014163, OMIM 615396.
Cardiomyopathy (CMYO). Also called: Cardiomyopathies. Identifiers: Orphanet 167848, MedGen C0878544, MONDO:0004994, HP:0001638. Inheritance: Various modes of inheritance.
Hypertrophic cardiomyopathy. Also called: HYPERTROPHIC MYOCARDIOPATHY. Identifiers: Orphanet 217569, MedGen C0007194, MeSH D002312, MONDO:0005045, HP:0001639.

Allele frequency attached by ClinVar (database versions not stated): TOPMed below 0.00001; gnomAD 0.00001; gnomAD exomes 0.00001.

Submissions 1 to 10 of 30:

Molecular Diagnostic Laboratory for Inherited Cardiovascular Disease, Montreal Heart Institute
Classification: Pathogenic for Cardiovascular phenotype. Last evaluated: 2026-02-10. Review status: criteria provided, single submitter. Criteria: ACMG Guidelines, 2015. Collection method: clinical testing. Allele origin: germline. Affected: yes.

Labcorp Genetics (formerly Invitae), Labcorp
Classification: Pathogenic for Hypertrophic cardiomyopathy. Last evaluated: 2026-01-18. Review status: criteria provided, single submitter. Criteria: Invitae Variant Classification Sherloc (09022015). Collection method: clinical testing. Allele origin: germline.
Comment: This sequence change creates a premature translational stop signal (p.Pro955Argfs*95) in the MYBPC3 gene. It is expected to result in an absent or disrupted protein product. Loss-of-function variants in MYBPC3 are known to be pathogenic (PMID: 19574547). This variant is present in population databases (rs397515990, gnomAD 0.0008%). This premature translational stop signal has been observed in individuals with hypertrophic cardiomyopathy (PMID: 19273718, 20433692, 21551322). ClinVar contains an entry for this variant (Variation ID: 42663). For these reasons, this variant has been classified as Pathogenic.

Ambry Genetics
Classification: Pathogenic for Cardiovascular phenotype. Last evaluated: 2025-10-10. Review status: criteria provided, single submitter. Criteria: Ambry Variant Classification Scheme 2023. Collection method: clinical testing. Allele origin: germline.
Comment: The c.2864_2865delCT (p.P955Rfs*95) alteration, located in exon 27 (coding exon 27) of the MYBPC3 gene, consists of a deletion of 2 nucleotides from position 2864 to 2865, causing a translational frameshift with a predicted alternate stop codon after 95 amino acids. This alteration is expected to result in loss of function by premature protein truncation or nonsense-mediated mRNA decay. Based on data from gnomAD, the c.2864_2865delCT allele has an overall frequency of <0.001% (1/264126) total alleles studied. The highest observed frequency was 0.001% (1/120700) of European (non-Finnish) alleles. This variant (also reported as delCT955) was reported in individual(s) with features consistent with MYBPC3-related cardiomyopathy (Niimura, 1998; Marston, 2009; van Dijk, 2009; Christiaans, 2010; Schaefer, 2014). Based on the available evidence, this alteration is classified as pathogenic.

Variantyx, Inc.
Classification: Pathogenic for Hypertrophic cardiomyopathy 4. Last evaluated: 2025-07-09. Review status: criteria provided, single submitter. Criteria: Variantyx Assertion Criteria 2022. Collection method: clinical testing. Allele origin: germline. Inheritance: Autosomal dominant inheritance.
Comment: This is a frameshift variant in the MYBPC3 gene (OMIM: 600958). Pathogenic variants in this gene have been associated with autosomal dominant hypertrophic cardiomyopathy 4. This variant introduces a premature termination codon in exon 27 out of 35 and is expected to result in loss of function, which is a known disease mechanism for MYBPC3 in this disorder (PMID: 19574547) (PVS1). This variant has been reported in several unrelated affected individuals (PMID: 19273718, 24602869, 19574547, 9562578, 21551322, 20505798, 19356534) (PS4). It has a 0.0009% maximum allele frequency in non-founder control populations (PM2). Based on the current evidence, this variant is classified as pathogenic for autosomal dominant hypertrophic cardiomyopathy 4.

Victorian Clinical Genetics Services, Murdoch Childrens Research Institute
Classification: Pathogenic for Hypertrophic cardiomyopathy 4. Last evaluated: 2025-05-27. Review status: criteria provided, single submitter. Criteria: ACMG Guidelines, 2015. Collection method: clinical testing. Allele origin: germline. Affected: no.
Comment: This variant is classified as Pathogenic. Evidence in support of pathogenic classification: Variant is predicted to cause nonsense-mediated decay (NMD) and loss of protein (premature termination codon is located at least 54 nucleotides upstream of the final exon-exon junction); Variant is present in gnomAD <0.01 (v4: 11 heterozygote(s), 0 homozygote(s)) ; This variant has strong previous evidence of pathogenicity in unrelated individuals. This recurrent variant has previously been reported as pathogenic in multiple patients, both at VCGS and externally, and has been shown to segregate in families with autosomal dominant hypertrophic cardiomyopathy (ClinVar, PMID: 9562578, PMID: 28615295); Other NMD-predicted variant(s) comparable to the one identified in this case have very strong previous evidence for pathogenicity (DECIPHER). Additional information: This variant is heterozygous; This gene is associated with both recessive and dominant disease. Dominant inheritance is frequently reported in adult onset conditions and recessive inheritance results in a more severe early onset phenotype (OMIM); Loss of function is a known mechanism of disease in this gene and is associated with hypertrophic cardiomyopathy 4 (HCM; MIM#115197); Variants in this gene are known to have variable expressivity (PMID: 32841044); Inheritance information for this variant is not currently available in this individual.

Blueprint Genetics
Classification: Pathogenic for MYBPC3-related disorders. Last evaluated: 2024-10-18. Review status: criteria provided, single submitter. Criteria: ACMG Guidelines, 2015. Collection method: clinical testing. Allele origin: germline. Affected: yes. Observed: 5 variant alleles.

Color Diagnostics, LLC DBA Color Health
Classification: Pathogenic for Cardiomyopathy. Last evaluated: 2024-04-29. Review status: criteria provided, single submitter. Criteria: ACMG Guidelines, 2015. Collection method: clinical testing. Allele origin: germline.
Comment: This variant deletes 2 nucleotides in exon 27 of the MYBPC3 gene, creating a frameshift and premature translation stop signal. This variant is expected to result in an absent or non-functional protein product. This variant has been reported in over 20 individuals affected with hypertrophic cardiomyopathy (PMID: 12707239, 19273718, 20433692, 22115648, 24602869, 34542152, 34680864, 35288587, 35626289, 35653365, 36166435). It has been shown that this variant segregates with disease in multiple families (PMID: 20433692, 24602869, 34680864). Additionally, the variant has been reported in two individuals affected with left ventricular noncompaction (PMID: 21551322, 24602869). This variant has not been identified in the general population by the Genome Aggregation Database (gnomAD). Loss of MYBPC3 function is a known mechanism of disease. Based on the available evidence, this variant is classified as Pathogenic.

Fulgent Genetics
Classification: Pathogenic for Hypertrophic cardiomyopathy 4; Left ventricular noncompaction 10. Last evaluated: 2024-03-21. Review status: criteria provided, single submitter. Criteria: ACMG Guidelines, 2015. Collection method: clinical testing. Allele origin: germline.

All of Us Research Program, National Institutes of Health
Classification: Pathogenic for Hypertrophic cardiomyopathy. Last evaluated: 2023-07-11. Review status: criteria provided, single submitter. Criteria: ACMG Guidelines, 2015. Collection method: clinical testing. Allele origin: germline. Inheritance: Autosomal dominant inheritance. Observed: 3 variant alleles, 3 heterozygotes.
Comment: This variant deletes 2 nucleotides in exon 27 of the MYBPC3 gene, creating a frameshift and premature translation stop signal. This variant is expected to result in an absent or non-functional protein product. To our knowledge, functional studies have not been reported for this variant. This variant has been reported in individuals affected with hypertrophic cardiomyopathy (HCM)(PMID: 12707239, 19273718, 20433692, 20505798, 22115648, 24602869, 32841044). It has been shown that this variant segregates with disease in families (PMID: 20433692, 24602869). Additionally, the variant has been reported in 2 individuals affected with left ventricular noncompaction (LVNC) (PMID: 21551322, 24602869). This variant has not been identified in the general population by the Genome Aggregation Database (gnomAD). Loss of MYBPC3 function is a known mechanism of disease. Based on the available evidence, this variant is classified as Pathogenic.

This study involves interpretation of variants in research participants for the purpose of population health screening. Participant phenotype was not available at the time of variant classification. Additional details can be found in publication PMID: 35346344, PMCID: PMC8962531

CHEO Genetics Diagnostic Laboratory, Children's Hospital of Eastern Ontario
Classification: Pathogenic for Cardiomyopathy. Last evaluated: 2023-06-26. Review status: criteria provided, single submitter. Criteria: ACMG Guidelines, 2015. Collection method: clinical testing. Allele origin: germline.